The following is an entry in ClinVar:

ClinVar aggregate classification (germline): Pathogenic (1 of 4 stars; one submission).

Conditions:
Immunodeficiency 64. Also called: IMMUNODEFICIENCY 64 WITH LYMPHOPROLIFERATION. Identifiers: Orphanet 664699, MedGen C5231402, MONDO:0032803, OMIM 618534.

Submission:

Children's Medical Center, Division of Allergy and Clinical Immunology, Tehran University of Medical Sciences
Classification: Pathogenic for Immunodeficiency 64. Last evaluated: 2025-12-15. Review status: criteria provided, single submitter. Criteria: ACMG Guidelines, 2015. Collection method: clinical testing. Allele origin: germline. Inheritance: Autosomal recessive inheritance. Affected: yes. Observed: 1 homozygote.
Comment: Classification: Pathogenic ACMG Criteria Met: PVS1, PM2, PP3, PP4. Rationale:This variant (NM_005739.4:c.1720+1G>A) affects the canonical splice donor site (+1 position) of intron 14 in the RASGRP1 gene. Variants at this invariant GT dinucleotide are universally predicted to disrupt normal splicing, leading to loss of protein function (PVS1), which is the established mechanism of disease for RASGRP1 deficiency. 2.Co-occurrence: It was found in cis (on the same allele) with an adjacent splice-site variant, c.1720+2T>C. 3.Population Data: This variant is absent from major population databases (gnomAD), supporting its rarity (PM2). 4.In Silico: Splice prediction algorithms (e.g., SpliceAI, MaxEntScan) predict a complete loss of the donor splice site (PP3).

NM_005739.4(RASGRP1):c.1720+1G>A

Gene: RASGRP1 (RAS guanyl releasing protein 1; minus strand). Cytogenetic location: 15q14.
Variant type: single nucleotide variant.
Coding change: c.1720+1G>A on transcript NM_005739.4 (MANE Select); the canonical splice donor site of the intron after coding-DNA position 1720, G replaced by A.
Molecular consequence: splice donor variant.
Genome position (GRCh38, 1-based): chr15:38,500,102, C>T on the plus strand (G>A on the coding strand, the complement: RASGRP1 is on the minus strand). VCF-style: chr15-38500102-C-T. GRCh37 (hg19) VCF-style: chr15-38792303-C-T.
Other names: c.1615+1G>A (NM_001306086.2, NM_001128602.2).
Identifiers: ClinVar variation 4537509 (VCV004537509.1).
Genomic context (GRCh38, chr15:38,500,102, plus strand): 5'-TCTATAGCAGCGTGAGAATGGACTGATACACCAGGAATATGTCAACAATATTGAGTCTTA[C>T]CTTTACATCGATATCCTTGTTTGATCACTCCCCAGAGCTATGAAACAAGAGACAGAATGC-3'